The following is an entry in ClinVar:

ClinVar aggregate classification (germline): Likely benign. Review status: criteria provided, single submitter (1 of 4 stars). 2 submissions from 2 submitters: Likely benign (1). 1 of the submissions does not count toward it. Last evaluated 2025-11-01.

Conditions:
ATCAY-related disorder. Also called: ATCAY-related condition.

Allele frequency attached by ClinVar (database versions not stated): ExAC 0.00005; gnomAD exomes 0.00013; gnomAD 0.00014; TOPMed 0.00015.
gnomAD v4.1: 210 of 1,613,804 alleles (0.013%); highest among the groups gnomAD compares: Admixed American, 0.022%; no homozygotes.

Submissions (2):

CeGaT Center for Human Genetics Tuebingen
Classification: Likely benign. Last evaluated: 2025-11-01. Review status: criteria provided, single submitter. Criteria: CeGaT Center For Human Genetics Tuebingen Variant Classification Criteria Version 2. Collection method: clinical testing. Allele origin: germline. Affected: yes. Observed: 1 variant allele.
Comment: ATCAY: BP4, BP7

PreventionGenetics, part of Exact Sciences
Classification: Likely benign for ATCAY-related condition. Last evaluated: 2019-02-21. Review status: no assertion criteria provided. Collection method: clinical testing. Allele origin: germline. Not counted in ClinVar's aggregate classification.
Comment: This variant is classified as likely benign based on ACMG/AMP sequence variant interpretation guidelines (Richards et al. 2015 PMID: 25741868, with internal and published modifications).

NM_033064.5(ATCAY):c.360C>T (p.Asp120=)

Gene: ATCAY (ATCAY kinesin light chain interacting caytaxin; plus strand). Cytogenetic location: 19p13.3.
Variant type: single nucleotide variant.
Coding change: c.360C>T on transcript NM_033064.5 (MANE Select); coding-DNA position 360, C replaced by T.
Protein change: p.Asp120=; no amino-acid change (aspartic acid 120 retained).
Molecular consequence: synonymous variant.
Genome position (GRCh38, 1-based): chr19:3,907,735, C>T. VCF-style: chr19-3907735-C-T. GRCh37 (hg19) VCF-style: chr19-3907733-C-T.
Identifiers: ClinVar variation 3047569 (VCV003047569.8), dbSNP rs758678492, ClinGen allele CA9087134.
Genomic context (GRCh38, chr19:3,907,735, plus strand): 5'-GGAGGGCAGGAGATATCCGGACTCTGGCGTCCATGCGACTCTCCGCCACCTGCTTCTAGA[C>T]GACACCCCCGTGGCCACCGCCAAGAACATGCCCGGGGACAGCGCGGATCTATTTGGGGAC-3'
Protein context (NP_149053.1, residues 110-130): LGNGNELEWE[Asp120=]DTPVATAKNM